The following is an entry in ClinVar:

NM_000337.6(SGCD):c.340A>G (p.Ile114Val)

Gene: SGCD (sarcoglycan delta; plus strand). Cytogenetic location: 5q33.3.
Variant type: single nucleotide variant.
Coding change: c.340A>G on transcript NM_000337.6 (MANE Select); coding-DNA position 340, A replaced by G.
Protein change: p.Ile114Val; replaces isoleucine 114 with valine.
Molecular consequence: missense variant.
Genome position (GRCh38, 1-based): chr5:156,589,276, A>G. VCF-style: chr5-156589276-A-G. GRCh37 (hg19) VCF-style: chr5-156016286-A-G.
Other names: c.337A>G, p.Ile113Val (NM_001128209.2); c.340A>G, p.Ile114Val (NM_172244.3); short protein forms I114V, I113V.
Identifiers: ClinVar variation 579398 (VCV000579398.7), dbSNP rs760206240, ClinGen allele CA3530568.

ClinVar aggregate classification (germline): Uncertain significance. Review status: criteria provided, multiple submitters, no conflicts (2 of 4 stars). 4 submissions from 3 submitters: Uncertain significance (4). Last evaluated 2023-02-08.

Conditions:
Autosomal recessive limb-girdle muscular dystrophy type 2F (LGMDR6). Also called: Muscular dystrophy limb-girdle with delta-sarcoglyan deficiency; MUSCULAR DYSTROPHY, LIMB-GIRDLE, AUTOSOMAL RECESSIVE 6. Identifiers: Orphanet 219, MedGen C1832525, MONDO:0011028, OMIM 601287. Disease mechanism: Affects gamma-sarcoglycan and also disrupts the integrity of the entire sarcoglycan complex..
Dilated cardiomyopathy 1L (CMD1L). Identifiers: Orphanet 154, MedGen C1847667, MONDO:0011702, OMIM 606685.

Allele frequency attached by ClinVar (database versions not stated): gnomAD exomes below 0.00001 and 0.00001; gnomAD 0.00001; ExAC 0.00003.
gnomAD v4.1: 6 of 1,575,400 alleles (0.00038%); highest among the groups gnomAD compares: East Asian, 0.0023%; no homozygotes.

Submissions (4):

Genome-Nilou Lab
Classification: Uncertain significance for Autosomal recessive limb-girdle muscular dystrophy type 2F. Last evaluated: 2023-02-08. Review status: criteria provided, single submitter. Criteria: ACMG Guidelines, 2015. Collection method: clinical testing. Allele origin: germline.

Genome-Nilou Lab
Classification: Uncertain significance for Dilated cardiomyopathy 1L. Last evaluated: 2023-02-08. Review status: criteria provided, single submitter. Criteria: ACMG Guidelines, 2015. Collection method: clinical testing. Allele origin: germline.

Labcorp Genetics (formerly Invitae), Labcorp
Classification: Uncertain significance for Autosomal recessive limb-girdle muscular dystrophy type 2F. Last evaluated: 2021-08-28. Review status: criteria provided, single submitter. Criteria: Invitae Variant Classification Sherloc (09022015). Collection method: clinical testing. Allele origin: germline.
Comment: This sequence change replaces isoleucine with valine at codon 114 of the SGCD protein (p.Ile114Val). The isoleucine residue is moderately conserved and there is a small physicochemical difference between isoleucine and valine. This variant is present in population databases (rs760206240, ExAC 0.01%). This variant has not been reported in the literature in individuals affected with SGCD-related conditions. Algorithms developed to predict the effect of missense changes on protein structure and function (SIFT, PolyPhen-2, Align-GVGD) all suggest that this variant is likely to be tolerated. In summary, the available evidence is currently insufficient to determine the role of this variant in disease. Therefore, it has been classified as a Variant of Uncertain Significance.

Women's Health and Genetics/Laboratory Corporation of America, LabCorp
Classification: Uncertain significance. Last evaluated: 2019-11-18. Review status: criteria provided, single submitter. Criteria: LabCorp Variant Classification Summary - May 2015. Collection method: clinical testing. Allele origin: germline.
Comment: Variant summary: SGCD c.340A>G (p.Ile114Val) results in a conservative amino acid change in the encoded protein sequence. Four of five in-silico tools predict a benign effect of the variant on protein function. The variant allele was found at a frequency of 5.2e-06 in 192904 control chromosomes (gnomAD). The available data on variant occurrences in the general population are insufficient to allow any conclusion about variant significance. To our knowledge, no occurrence of c.340A>G in individuals affected with Cardiomyopathy and no experimental evidence demonstrating its impact on protein function have been reported. One clinical diagnostic laboratory has submitted clinical-significance assessments for this variant to ClinVar after 2014 without evidence for independent evaluation and classified the variant as uncertain significance. Based on the evidence outlined above, the variant was classified as uncertain significance.